The following is an entry in ClinVar:

ClinVar aggregate classification (germline): Uncertain significance (1 of 4 stars; one submission).

Conditions:
Myofibrillar myopathy 5. Also called: Filaminopathy (type); FILAMINOPATHY, AUTOSOMAL DOMINANT. Identifiers: Orphanet 171445, MedGen C1836050, MONDO:0012289, OMIM 609524.
Hypertrophic cardiomyopathy 26. Also called: Cardiomyopathy, familial hypertrophic, 26. Identifiers: Orphanet 75249, MedGen C4310749, MONDO:0014883, OMIM 617047.
Distal myopathy with posterior leg and anterior hand involvement. Also called: WILLIAMS DISTAL MYOPATHY. Identifiers: Orphanet 63273, MedGen C3279722, MONDO:0013550, OMIM 614065.

Submission:

Labcorp Genetics (formerly Invitae), Labcorp
Classification: Uncertain significance for Distal myopathy with posterior leg and anterior hand involvement; Myofibrillar myopathy 5; Hypertrophic cardiomyopathy 26. Last evaluated: 2022-09-07. Review status: criteria provided, single submitter. Criteria: Invitae Variant Classification Sherloc (09022015). Collection method: clinical testing. Allele origin: germline.
Comment: In summary, the available evidence is currently insufficient to determine the role of this variant in disease. Therefore, it has been classified as a Variant of Uncertain Significance. Variants that disrupt the consensus splice site are a relatively common cause of aberrant splicing (PMID: 17576681, 9536098). Algorithms developed to predict the effect of sequence changes on RNA splicing suggest that this variant may disrupt the consensus splice site. This variant has not been reported in the literature in individuals affected with FLNC-related conditions. This variant is not present in population databases (gnomAD no frequency). This sequence change falls in intron 19 of the FLNC gene. It does not directly change the encoded amino acid sequence of the FLNC protein. It affects a nucleotide within the consensus splice site.

Literature cited by the submitters: PubMed 17576681; PubMed 9536098.

NM_001458.5(FLNC):c.2929+5G>C

Gene: FLNC (filamin C; plus strand). Cytogenetic location: 7q32.1.
Variant type: single nucleotide variant.
Coding change: c.2929+5G>C on transcript NM_001458.5 (MANE Select); 5 bases into the intron after coding-DNA position 2929, G replaced by C.
Molecular consequence: intron variant.
Genome position (GRCh38, 1-based): chr7:128,843,918, G>C. VCF-style: chr7-128843918-G-C. GRCh37 (hg19) VCF-style: chr7-128483972-G-C.
Other names: c.2929+5G>C (NM_001127487.2).
Identifiers: ClinVar variation 2029383 (VCV002029383.4), dbSNP rs2536634975, ClinGen allele CA2580076560.